The following is an entry in ClinVar:

NM_004380.3(CREBBP):c.3418del (p.Arg1140fs)

Gene: CREBBP (CREB binding lysine acetyltransferase; minus strand). Cytogenetic location: 16p13.3.
Variant type: Deletion.
Coding change: c.3418del on transcript NM_004380.3 (MANE Select); coding-DNA position 3418, one base deleted (C; older notation c.3418delC).
Protein change: p.Arg1140fs; shifts the reading frame from arginine 1140.
Molecular consequence: frameshift variant.
Genome position (GRCh38, 1-based): chr16:3,758,000, G deleted on the plus strand (C on the coding strand, the reverse complement: CREBBP is on the minus strand). VCF-style (leftmost placement, unchanged base first): chr16-3757999-CG-C. GRCh37 (hg19) VCF-style: chr16-3808000-CG-C.
Other names: c.3304del, p.Arg1102fs (NM_001079846.1); short protein forms R1102fs, R1140fs.
Identifiers: ClinVar variation 1333441 (VCV001333441.1), dbSNP rs2151383848, ClinGen allele CA2573054226.

ClinVar aggregate classification (germline): Likely pathogenic (1 of 4 stars; one submission).

Conditions:
Rubinstein-Taybi syndrome due to CREBBP mutations (RSTS1). Also called: BROAD THUMB-HALLUX SYNDROME; RUBINSTEIN-TAYBI SYNDROME 1, INCOMPLETE; Rubinstein-Taybi syndrome 1; BROAD THUMBS AND GREAT TOES, CHARACTERISTIC FACIES, AND IMPAIRED INTELLECTUAL DEVELOPMENT; RUBINSTEIN SYNDROME; CREBBP-Related Rubinstein-Taybi Syndrome. Identifiers: Orphanet 353277, Orphanet 783, MedGen C4551859, MONDO:0008393, OMIM 180849.

Submission:

3billion
Classification: Likely pathogenic for Rubinstein-Taybi syndrome due to CREBBP mutations. Last evaluated: 2022-01-03. Review status: criteria provided, single submitter. Criteria: ACMG Guidelines, 2015. Collection method: clinical testing. Allele origin: germline. Affected: yes. Observed: 1 heterozygote.
Comment: Frameshift: predicted to result in a loss or disruption of normal protein function through nonsense-mediated decay (NMD) or protein truncation. Multiple pathogenic variants are reported downstream of the variant (PVS1_VS). It is not observed in the gnomAD v2.1.1 dataset (PM2_M). Therefore, this variant is classified as likely pathogenic according to the recommendation of ACMG/AMP guideline.